The following is an entry in ClinVar:

ClinVar aggregate classification (germline): Uncertain significance. Review status: criteria provided, multiple submitters, no conflicts (2 of 4 stars). 3 submissions from 3 submitters: Uncertain significance (3). Last evaluated 2026-08-12.

Conditions:
Inborn genetic diseases. Identifiers: MedGen C0950123, MeSH D030342.

Allele frequency attached by ClinVar (database versions not stated): TOPMed below 0.00001.

Submissions (3):

GeneDx
Classification: Uncertain significance. Last evaluated: 2026-08-12. Review status: criteria provided, single submitter. Criteria: GeneDx Variant Classification Process June 2021. Collection method: clinical testing. Allele origin: germline.
Comment: Not observed at significant frequency in large population cohorts (gnomAD); In silico analysis supports that this missense variant has a deleterious effect on protein structure/function; Has not been previously published as pathogenic or benign to our knowledge

Labcorp Genetics (formerly Invitae), Labcorp
Classification: Uncertain significance. Last evaluated: 2022-07-16. Review status: criteria provided, single submitter. Criteria: Invitae Variant Classification Sherloc (09022015). Collection method: clinical testing. Allele origin: germline.
Comment: This variant has not been reported in the literature in individuals affected with KAT6A-related conditions. Algorithms developed to predict the effect of missense changes on protein structure and function are either unavailable or do not agree on the potential impact of this missense change (SIFT: "Deleterious"; PolyPhen-2: "Not Available"; Align-GVGD: "Class C0"). This sequence change replaces asparagine, which is neutral and polar, with serine, which is neutral and polar, at codon 1898 of the KAT6A protein (p.Asn1898Ser). In summary, the available evidence is currently insufficient to determine the role of this variant in disease. Therefore, it has been classified as a Variant of Uncertain Significance. This variant is not present in population databases (gnomAD no frequency).

Ambry Genetics
Classification: Uncertain significance for Inborn genetic diseases. Last evaluated: 2019-03-13. Review status: criteria provided, single submitter. Criteria: Ambry Variant Classification Scheme 2023. Collection method: clinical testing. Allele origin: germline.
Comment: The p.N1898S variant (also known as c.5693A>G), located in coding exon 16 of the KAT6A gene, results from an A to G substitution at nucleotide position 5693. The asparagine at codon 1898 is replaced by serine, an amino acid with highly similar properties. This amino acid position is highly conserved in available vertebrate species. In addition, this alteration is predicted to be tolerated by in silico analysis. Since supporting evidence is limited at this time, the clinical significance of this alteration remains unclear.

NM_006766.5(KAT6A):c.5693A>G (p.Asn1898Ser)

Gene: KAT6A (lysine acetyltransferase 6A; minus strand). Cytogenetic location: 8p11.21.
Variant type: single nucleotide variant.
Coding change: c.5693A>G on transcript NM_006766.5 (MANE Select); coding-DNA position 5693, A replaced by G.
Protein change: p.Asn1898Ser; replaces asparagine 1898 with serine.
Molecular consequence: missense variant.
Genome position (GRCh38, 1-based): chr8:41,932,527, T>C on the plus strand (A>G on the coding strand, the complement: KAT6A is on the minus strand). VCF-style: chr8-41932527-T-C. GRCh37 (hg19) VCF-style: chr8-41790045-T-C.
Other names: short protein forms N1898S.
Identifiers: ClinVar variation 1749093 (VCV001749093.9), dbSNP rs1821603007, ClinGen allele CA371060837.